The following is an entry in ClinVar:

ClinVar aggregate classification (germline): Likely pathogenic (1 of 4 stars; one submission).

Submission:

Labcorp Genetics (formerly Invitae), Labcorp
Classification: Likely pathogenic. Last evaluated: 2021-08-19. Review status: criteria provided, single submitter. Criteria: Invitae Variant Classification Sherloc (09022015). Collection method: clinical testing. Allele origin: germline.
Comment: This sequence change affects a donor splice site in intron 4 of the SLC12A6 gene. It is expected to disrupt RNA splicing. Variants that disrupt the donor or acceptor splice site typically lead to a loss of protein function (PMID: 16199547), and loss-of-function variants in SLC12A6 are known to be pathogenic (PMID: 12368912, 16606917). This variant is not present in population databases (ExAC no frequency). This variant has not been reported in the literature in individuals affected with SLC12A6-related conditions. Algorithms developed to predict the effect of sequence changes on RNA splicing suggest that this variant may disrupt the consensus splice site. In summary, the currently available evidence indicates that the variant is pathogenic, but additional data are needed to prove that conclusively. Therefore, this variant has been classified as Likely Pathogenic.

Literature cited by the submitters: PubMed 16199547; PubMed 12368912; PubMed 16606917.

NM_001365088.1(SLC12A6):c.543+1G>A

Gene: SLC12A6 (solute carrier family 12 member 6; minus strand). Cytogenetic location: 15q14.
Variant type: single nucleotide variant.
Coding change: c.543+1G>A on transcript NM_001365088.1 (MANE Select); the canonical splice donor site of the intron after coding-DNA position 543, G replaced by A.
Molecular consequence: splice donor variant.
Genome position (GRCh38, 1-based): chr15:34,258,812, C>T on the plus strand (G>A on the coding strand, the complement: SLC12A6 is on the minus strand). VCF-style: chr15-34258812-C-T. GRCh37 (hg19) VCF-style: chr15-34551013-C-T.
Other names: c.366+1G>A (NM_001042495.2, NM_001042494.2); c.516+1G>A (NM_001042496.2); c.498+1G>A (NM_001042497.2); c.543+1G>A (NM_133647.2); c.390+1G>A (NM_005135.2).
Identifiers: ClinVar variation 1522562 (VCV001522562.6), dbSNP rs2140756412, ClinGen allele CA391613298.